The following is an entry in ClinVar:

NM_000179.2(MSH6):c.3438+797_3438+798insTATins1839_3438+797

Gene: MSH6 (mutS homolog 6; plus strand). Cytogenetic location: 2p16.3.
Variant type: Insertion.
Coding change: c.3438+797_3438+798insTATins1839_3438+797 on transcript NM_000179.2; bases 797 to 798 of the intron after coding-DNA position 3438, an insertion.
Identifiers: ClinVar variation 89388 (VCV000089388.2).

ClinVar aggregate classification (germline): Pathogenic (3 of 4 stars; one submission).

Conditions:
Lynch syndrome. Identifiers: Orphanet 144, MedGen C4552100, MONDO:0005835. Disease mechanism: loss of function.

Submission:

International Society for Gastrointestinal Hereditary Tumours (InSiGHT)
Classification: Pathogenic for Lynch Syndrome. Last evaluated: 2013-09-05. Review status: reviewed by expert panel. Criteria: Guidelines v1.9. Collection method: research. Allele origin: germline.
Comment: Large duplication confirmed by laboratory testing

Classified with v1.9 guidelines